The following is an entry in ClinVar:

ClinVar aggregate classification (germline): Uncertain significance (1 of 4 stars; one submission).

Allele frequency attached by ClinVar (database versions not stated): ExAC 0.00025; 1000 Genomes Project 30x 0.00031; TOPMed 0.00001; gnomAD 0.00006; gnomAD exomes 0.00009; 1000 Genomes Project 0.00040.
gnomAD v4.1: 144 of 1,613,876 alleles (0.0089%); highest among the groups gnomAD compares: South Asian, 0.14%; no homozygotes.

Submission:

Labcorp Genetics (formerly Invitae), Labcorp
Classification: Uncertain significance. Last evaluated: 2026-01-06. Review status: criteria provided, single submitter. Criteria: Invitae Variant Classification Sherloc (09022015). Collection method: clinical testing. Allele origin: germline.
Comment: This sequence change replaces alanine, which is neutral and non-polar, with valine, which is neutral and non-polar, at codon 620 of the ZNF687 protein (p.Ala620Val). This variant is present in population databases (rs376908655, gnomAD 0.2%), and has an allele count higher than expected for a pathogenic variant. This variant has not been reported in the literature in individuals affected with ZNF687-related conditions. ClinVar contains an entry for this variant (Variation ID: 2914893). An algorithm developed to predict the effect of missense changes on protein structure and function (PolyPhen-2) suggests that this variant is likely to be tolerated. In summary, the available evidence is currently insufficient to determine the role of this variant in disease. Therefore, it has been classified as a Variant of Uncertain Significance.

NM_020832.3(ZNF687):c.1859C>T (p.Ala620Val)

Gene: ZNF687 (zinc finger protein 687; plus strand). Cytogenetic location: 1q21.3.
Variant type: single nucleotide variant.
Coding change: c.1859C>T on transcript NM_020832.3 (MANE Select); coding-DNA position 1859, C replaced by T.
Protein change: p.Ala620Val; replaces alanine 620 with valine.
Molecular consequence: missense variant.
Genome position (GRCh38, 1-based): chr1:151,288,150, C>T. VCF-style: chr1-151288150-C-T. GRCh37 (hg19) VCF-style: chr1-151260626-C-T.
Other names: c.1859C>T, p.Ala620Val (NM_001304763.2, NM_001304764.2); short protein forms A620V.
Identifiers: ClinVar variation 2914893 (VCV002914893.3), dbSNP rs376908655, ClinGen allele CA1088403.